The following is an entry in ClinVar:

ClinVar aggregate classification (germline): Uncertain significance (1 of 4 stars; one submission).

Conditions:
Malignant hyperthermia, susceptibility to, 1 (MHS1). Also called: RYR1-Related Malignant Hyperthermia Susceptibility; Anesthesia related hyperthermia; Malignant hyperpyrexia; Fulminating hyperpyrexia; Pharmacogenic myopathy; Malignant hyperthermia suceptibility 1. Identifiers: Orphanet 423, MedGen C2930980, MONDO:0007783, OMIM 145600.

Allele frequency attached by ClinVar (database versions not stated): gnomAD exomes below 0.00001.
gnomAD v4.1: 6 of 1,612,870 alleles (0.00037%); highest among the groups gnomAD compares: Non-Finnish European, 0.00051%; no homozygotes.

Submission:

All of Us Research Program, National Institutes of Health
Classification: Uncertain significance for Malignant hyperthermia, susceptibility to, 1. Last evaluated: 2023-03-09. Review status: criteria provided, single submitter. Criteria: ACMG Guidelines, 2015. Collection method: clinical testing. Allele origin: germline. Inheritance: Autosomal dominant inheritance. Observed: 2 variant alleles, 2 heterozygotes.
Comment: This study involves interpretation of variants in research participants for the purpose of population health screening. Participant phenotype was not available at the time of variant classification. Additional details can be found in publication PMID: 35346344, PMCID: PMC8962531

NM_000540.3(RYR1):c.6549-7T>G

Gene: RYR1 (ryanodine receptor 1; plus strand). Cytogenetic location: 19q13.2.
Variant type: single nucleotide variant.
Coding change: c.6549-7T>G on transcript NM_000540.3 (MANE Select); 7 bases into the intron before coding-DNA position 6549, T replaced by G.
Molecular consequence: intron variant.
Genome position (GRCh38, 1-based): chr19:38,496,208, T>G. VCF-style: chr19-38496208-T-G. GRCh37 (hg19) VCF-style: chr19-38986848-T-G.
Other names: c.6549-7T>G (NM_001042723.2).
Identifiers: ClinVar variation 3069673 (VCV003069673.1), dbSNP rs2514285973, ClinGen allele CA2584899409.